The following is an entry in ClinVar:

NM_005502.4(ABCA1):c.1625C>T (p.Thr542Ile)

Gene: ABCA1 (ATP binding cassette subfamily A member 1; minus strand). Cytogenetic location: 9q31.1.
Variant type: single nucleotide variant.
Coding change: c.1625C>T on transcript NM_005502.4 (MANE Select); coding-DNA position 1625, C replaced by T.
Protein change: p.Thr542Ile; replaces threonine 542 with isoleucine.
Molecular consequence: missense variant.
Genome position (GRCh38, 1-based): chr9:104,831,712, G>A on the plus strand (C>T on the coding strand, the complement: ABCA1 is on the minus strand). VCF-style: chr9-104831712-G-A. GRCh37 (hg19) VCF-style: chr9-107593993-G-A.
Other names: short protein forms T542I.
Identifiers: ClinVar variation 3491632 (VCV003491632.1).
Genomic context (GRCh38, chr9:104,831,712, plus strand): 5'-TTGTCAATGTCCATTCGGATCTTGTACTTGACATGATGGGGCAGCTCAATGCTGCCTGGA[G>A]TAATTCCAGTGAACACAATACCAGCCCAGAACTTCCTCTCATCCAGCAGCTCCATGGACT-3'
Protein context (NP_005493.2, residues 532-552): FWAGIVFTGI[Thr542Ile]PGSIELPHHV

ClinVar aggregate classification (germline): Uncertain significance (1 of 4 stars; one submission).

Conditions:
Cardiovascular phenotype. Identifiers: MedGen CN230736.

gnomAD v4.1: 1 of 1,614,174 alleles (0.000062%); highest among the groups gnomAD compares: Non-Finnish European, 0.000085%; no homozygotes.

Submission:

Ambry Genetics
Classification: Uncertain significance for Cardiovascular phenotype. Last evaluated: 2024-07-28. Review status: criteria provided, single submitter. Criteria: Ambry Variant Classification Scheme 2023. Collection method: clinical testing. Allele origin: germline.
Comment: The p.T542I variant (also known as c.1625C>T), located in coding exon 12 of the ABCA1 gene, results from a C to T substitution at nucleotide position 1625. The threonine at codon 542 is replaced by isoleucine, an amino acid with similar properties. This amino acid position is conserved. In addition, this alteration is predicted to be tolerated by in silico analysis. Based on the available evidence, the clinical significance of this variant remains unclear.